The following is an entry in ClinVar:

ClinVar aggregate classification (germline): Uncertain significance (1 of 4 stars; one submission).

Submission:

Labcorp Genetics (formerly Invitae), Labcorp
Classification: Uncertain significance. Last evaluated: 2021-03-27. Review status: criteria provided, single submitter. Criteria: Invitae Variant Classification Sherloc (09022015). Collection method: clinical testing. Allele origin: germline.
Comment: In summary, the available evidence is currently insufficient to determine the role of this variant in disease. Therefore, it has been classified as a Variant of Uncertain Significance. This variant has not been reported in the literature in individuals with SRP72-related conditions. This variant is not present in population databases (ExAC no frequency). This sequence change creates a premature translational stop signal (p.Asp109Asnfs*2) in the SRP72 gene. It is expected to result in an absent or disrupted protein product. However, the current clinical and genetic evidence is not sufficient to establish whether loss-of-function variants in SRP72 cause disease.

NM_006947.4(SRP72):c.325_328del (p.Asp109fs)

Gene: SRP72 (signal recognition particle 72; plus strand). Cytogenetic location: 4q12.
Variant type: Microsatellite.
Coding change: c.325_328del on transcript NM_006947.4 (MANE Select); coding-DNA positions 325 to 328, 4 bases deleted (GACA; older notation c.325_328delGACA).
Protein change: p.Asp109fs; shifts the reading frame from aspartic acid 109.
Molecular consequence: frameshift variant. On other transcripts: non-coding transcript variant (1).
Genome position (GRCh38, 1-based): chr4:56,471,814-56,471,817, GACA deleted; deleting any 4 consecutive bases within chr4:56,471,808-56,471,817 gives the same sequence; the c. name uses the placement nearest the transcript's 3' end. VCF-style (leftmost placement, unchanged base first): chr4-56471807-GCAGA-G. GRCh37 (hg19) VCF-style: chr4-57337973-GCAGA-G.
Other names: c.325_328del, p.Asp109fs (NM_001267722.2); short protein forms D109fs.
Identifiers: ClinVar variation 1520461 (VCV001520461.6), dbSNP rs2110111938, ClinGen allele CA2580616107.